The following is an entry in ClinVar:

NM_004409.5(DMPK):c.*224CTG[288]

Genes: DMPK (DM1 protein kinase; minus strand), DM1-AS (DM1 locus antisense RNA; plus strand), LOC109461477 (dystrophia myotonica protein kinase repeat instability region; plus strand), LOC107075317 (origin of replication in DMPK trinucleotide repeat region; plus strand). Cytogenetic location: 19q13.32.
Variant type: Microsatellite.
Coding change: c.*224CTG[288] on transcript NM_004409.5 (MANE Select); 288 copies in a row of the 3-base unit CTG starting at c.*224.
Molecular consequence: 3 prime UTR variant.
Genome position: GRCh38, VCF-style position (the base before the change): chr19:45,770,204. GRCh37 (hg19), VCF-style position (the base before the change): chr19:46,273,462.
Other names: c.*224CTG[288] (NM_001081560.3, NM_001288764.2, NM_001424165.1 and 1 more transcripts); c.*217CTG[288] (NM_001288765.2, NM_001081562.3, NM_001424162.1 and 2 more transcripts); c.*369CTG[288] (NM_001288766.2, NM_001424164.1, NM_001424168.1); c.*222_*224TGC[288] (NM_001081563.3).
Identifiers: ClinVar variation 523760 (VCV000523760.2), ClinGen allele CA915951753.

ClinVar aggregate classification (germline): Pathogenic (0 of 4 stars; one submission).

Conditions:
Steinert myotonic dystrophy syndrome (DM1). Also called: STEINERT DISEASE; Myotonic dystrophy type 1; Dystrophia myotonica type 1; Steinert myotonic dystrophy; Steinert's disease. Identifiers: Orphanet 273, MedGen C3250443, MONDO:0008056, OMIM 160900.

Submission:

Institute of Molecular, Cell and Systems Biology, University of Glasgow
Classification: Pathogenic for Steinert myotonic dystrophy syndrome. Last evaluated: 2018-03-14. Review status: no assertion criteria provided. Collection method: research. Allele origin: paternal. Inheritance: Autosomal dominant inheritance. Affected: yes. Observed: 1 variant allele.
Comment: DMPK CTG repeat expansions greater than approximately 45-50 repeats are assumed to be pathogenic

Literature cited by the submitters: PubMed 29967337; PubMed 1346923; PubMed 1546326.